The following is an entry in ClinVar:

ClinVar aggregate classification (germline): Uncertain significance (1 of 4 stars; one submission).

Conditions:
Inborn genetic diseases. Identifiers: MedGen C0950123, MeSH D030342.

Submission:

Ambry Genetics
Classification: Uncertain significance for Inborn genetic diseases. Last evaluated: 2025-03-08. Review status: criteria provided, single submitter. Criteria: Ambry Variant Classification Scheme 2023. Collection method: clinical testing. Allele origin: germline.
Comment: The p.T786A variant (also known as c.2356A>G), located in coding exon 25 of the RTEL1 gene, results from an A to G substitution at nucleotide position 2356. The threonine at codon 786 is replaced by alanine, an amino acid with similar properties. This amino acid position is conserved. In addition, this alteration is predicted to be tolerated by in silico analysis. Based on the available evidence, the clinical significance of this variant remains unclear.

NM_001283009.2(RTEL1):c.2356A>G (p.Thr786Ala)

Genes: RTEL1 (regulator of telomere elongation helicase 1; plus strand), RTEL1-TNFRSF6B (RTEL1-TNFRSF6B readthrough (NMD candidate); plus strand). Cytogenetic location: 20q13.33.
Variant type: single nucleotide variant.
Coding change: c.2356A>G on transcript NM_001283009.2 (MANE Select); coding-DNA position 2356, A replaced by G.
Protein change: p.Thr786Ala; replaces threonine 786 with alanine.
Molecular consequence: missense variant. On other transcripts: non-coding transcript variant (1).
Genome position (GRCh38, 1-based): chr20:63,690,384, A>G. VCF-style: chr20-63690384-A-G. GRCh37 (hg19) VCF-style: chr20-62321737-A-G.
Other names: c.1687A>G, p.Thr563Ala (NM_001283010.1); c.2356A>G, p.Thr786Ala (NM_016434.4); c.2428A>G, p.Thr810Ala (NM_032957.5); short protein forms T786A, T563A, T810A.
Identifiers: ClinVar variation 3791211 (VCV003791211.1).